The following is an entry in ClinVar:

NM_174916.3(UBR1):c.4659C>T (p.Leu1553=)

Gene: UBR1 (ubiquitin protein ligase E3 component n-recognin 1; minus strand). Cytogenetic location: 15q15.2.
Variant type: single nucleotide variant.
Coding change: c.4659C>T on transcript NM_174916.3 (MANE Select); coding-DNA position 4659, C replaced by T.
Protein change: p.Leu1553=; no amino-acid change (leucine 1553 retained).
Molecular consequence: synonymous variant.
Genome position (GRCh38, 1-based): chr15:42,963,976, G>A on the plus strand (C>T on the coding strand, the complement: UBR1 is on the minus strand). VCF-style: chr15-42963976-G-A. GRCh37 (hg19) VCF-style: chr15-43256174-G-A.
Other names: c.4659C>T (NM_174916.2).
Identifiers: ClinVar variation 2888888 (VCV002888888.5), dbSNP rs770131831, ClinGen allele CA7517819.

ClinVar aggregate classification (germline): Likely benign. Review status: criteria provided, multiple submitters, no conflicts (2 of 4 stars). 3 submissions from 3 submitters: Likely benign (3). Last evaluated 2025-12-11.

Conditions:
UBR1-related disorder. Also called: UBR1-related condition.

Allele frequency attached by ClinVar (database versions not stated): gnomAD 0.00002; ExAC 0.00003; gnomAD exomes 0.00003.
gnomAD v4.1: 50 of 1,613,458 alleles (0.0031%); highest among the groups gnomAD compares: Middle Eastern, 0.099%; no homozygotes.

Submissions (3):

Labcorp Genetics (formerly Invitae), Labcorp
Classification: Likely benign. Last evaluated: 2025-12-11. Review status: criteria provided, single submitter. Criteria: Invitae Variant Classification Sherloc (09022015). Collection method: clinical testing. Allele origin: germline.

PreventionGenetics, part of Exact Sciences
Classification: Likely benign for UBR1-related condition. Last evaluated: 2025-12-01. Review status: criteria provided, single submitter. Criteria: ACMG Guidelines, 2015. Collection method: clinical testing. Allele origin: germline.
Comment: This variant is classified as likely benign based on ACMG/AMP sequence variant interpretation guidelines (Richards et al. 2015 PMID: 25741868, with internal and published modifications).

Blueprint Genetics
Classification: Likely benign. Last evaluated: 2024-09-12. Review status: criteria provided, single submitter. Criteria: ACMG Guidelines, 2015. Collection method: clinical testing. Allele origin: germline.